The following is an entry in ClinVar:

ClinVar aggregate classification (germline): Pathogenic (1 of 4 stars; one submission).

Submission:

Quest Diagnostics Nichols Institute San Juan Capistrano
Classification: Pathogenic. Last evaluated: 2023-06-21. Review status: criteria provided, single submitter. Criteria: ACMG/ClinGen CNV Guidelines, 2019. Collection method: clinical testing. Allele origin: unknown.
Comment: This loss involves multiple protein-coding genes. Haploinsufficiency of SHANK3 (OMIM 606230) is associated with autosomal dominant Phelan-McDermid syndrome, also referred to as 22q13.3 deletion syndrome (OMIM 606232, Rehm 2015 (HGNC:14294), Nevado 2022, Phelan 2008, Phelan 2018, Sarasua 2014, Zwanenburg 2016). There are no similar copy number losses spanning this region in the general populations of the Database of Genomic Variants. Thus, this copy number variant (CNV) is classified as pathogenic. References: Nevado et al., Front Genet. 2022 Apr 12;13:652454. PMID: 35495150 Phelan, Orphanet J Rare Dis. 2008 May 27;3:14. PMID: 18505557 Phelan et al., GeneReviews [2018 Jun 07]. PMID: 20301377 Rehm et al., N Engl J Med. 2015 Jun 4;372(23):2235-42. PMID: 26014595 (HGNC:14294) Sarasua et al., Hum Genet. 2014 Jul;133(7):847-59. PMID: 24481935 Zwanenburg et al., J Neurodev Disord. 2016 Apr 26;8:16. PMID: 27118998

GRCh37/hg19 22q13.31-13.33(chr22:45611226-51197838)x1

Genes: ACR (acrosin; plus strand), ADM2 (adrenomedullin 2; plus strand), ALG12 (ALG12 alpha-1,6-mannosyltransferase; minus strand), ARSA (arylsulfatase A; minus strand), ATXN10 (ataxin 10; plus strand) and 52 more. Cytogenetic location: 22q13.31-13.33.
Variant type: copy number loss.
Change: copy number 1 (one copy instead of two) of chr22:45,611,226-51,197,838 (5.59 Mb, GRCh37 coordinates, 1-based), cytogenetic band 22q13.31-13.33.
Identifiers: ClinVar variation 2685682 (VCV002685682.1).